The following is an entry in ClinVar:

NM_001377458.1(CLCC1):c.1126C>T (p.Pro376Ser)

Gene: CLCC1 (chloride channel CLIC like 1; minus strand). Cytogenetic location: 1p13.3.
Variant type: single nucleotide variant.
Coding change: c.1126C>T on transcript NM_001377458.1 (MANE Select); coding-DNA position 1126, C replaced by T.
Protein change: p.Pro376Ser; replaces proline 376 with serine.
Molecular consequence: missense variant. On other transcripts: non-coding transcript variant (1).
Genome position (GRCh38, 1-based): chr1:108,937,334, G>A on the plus strand (C>T on the coding strand, the complement: CLCC1 is on the minus strand). VCF-style: chr1-108937334-G-A. GRCh37 (hg19) VCF-style: chr1-109479956-G-A.
Other names: c.1126C>T, p.Pro376Ser (NM_001048210.3, NM_001377459.1, NM_001377460.1 and 8 more transcripts); c.763C>T, p.Pro255Ser (NM_001278202.2); c.571C>T, p.Pro191Ser (NM_001278203.1); c.1024C>T, p.Pro342Ser (NM_001377469.1); c.835C>T, p.Pro279Ser (NM_001377470.1); c.976C>T, p.Pro326Ser (NM_015127.5); c.1126C>T (NM_001048210.1); short protein forms P255S, P279S, P342S, P326S, P376S, P191S.
Identifiers: ClinVar variation 1345864 (VCV001345864.5), dbSNP rs765297839, ClinGen allele CA983390.

ClinVar aggregate classification (germline): Uncertain significance. Review status: criteria provided, multiple submitters, no conflicts (2 of 4 stars). 2 submissions from 2 submitters: Uncertain significance (2). Last evaluated 2024-10-15.

Allele frequency attached by ClinVar (database versions not stated): gnomAD 0.00001; ExAC 0.00002.

Submissions (2):

Labcorp Genetics (formerly Invitae), Labcorp
Classification: Uncertain significance. Last evaluated: 2024-10-15. Review status: criteria provided, single submitter. Criteria: Invitae Variant Classification Sherloc (09022015). Collection method: clinical testing. Allele origin: germline.
Comment: This sequence change replaces proline, which is neutral and non-polar, with serine, which is neutral and polar, at codon 376 of the CLCC1 protein (p.Pro376Ser). This variant is present in population databases (rs765297839, gnomAD 0.02%). This variant has not been reported in the literature in individuals affected with CLCC1-related conditions. ClinVar contains an entry for this variant (Variation ID: 1345864). An algorithm developed to predict the effect of missense changes on protein structure and function outputs the following: PolyPhen-2: "Benign". The serine amino acid residue is found in multiple mammalian species, which suggests that this missense change does not adversely affect protein function. In summary, the available evidence is currently insufficient to determine the role of this variant in disease. Therefore, it has been classified as a Variant of Uncertain Significance.

Ambry Genetics
Classification: Uncertain significance. Last evaluated: 2024-07-05. Review status: criteria provided, single submitter. Criteria: Ambry Variant Classification Scheme 2023. Collection method: clinical testing. Allele origin: germline.